The following is an entry in ClinVar:

NM_004304.5(ALK):c.398G>A (p.Arg133His)

Gene: ALK (ALK receptor tyrosine kinase; minus strand). Cytogenetic location: 2p23.1.
Variant type: single nucleotide variant.
Coding change: c.398G>A on transcript NM_004304.5 (MANE Select); coding-DNA position 398, G replaced by A.
Protein change: p.Arg133His; replaces arginine 133 with histidine.
Molecular consequence: missense variant.
Genome position (GRCh38, 1-based): chr2:29,920,262, C>T on the plus strand (G>A on the coding strand, the complement: ALK is on the minus strand). VCF-style: chr2-29920262-C-T. GRCh37 (hg19) VCF-style: chr2-30143128-C-T.
Other names: short protein forms R133H.
Identifiers: ClinVar variation 853376 (VCV000853376.13), dbSNP rs768229646, ClinGen allele CA1594981.

ClinVar aggregate classification (germline): Conflicting classifications of pathogenicity. Review status: criteria provided, conflicting classifications (1 of 4 stars). 3 submissions from 3 submitters: Uncertain significance (2); Likely benign (1). Last evaluated 2026-01-05.

Conditions:
Hereditary cancer-predisposing syndrome. Also called: Neoplastic Syndromes, Hereditary; Hereditary Cancer Syndrome; Hereditary neoplastic syndrome; Tumor predisposition. Identifiers: Orphanet 140162, MedGen C0027672, MeSH D009386, MONDO:0015356.
Neuroblastoma, susceptibility to, 3. Also called: ALK-Related Neuroblastic Tumor Susceptibility. Identifiers: Orphanet 635, MedGen C2751681, MONDO:0013083, OMIM 613014.

Allele frequency attached by ClinVar (database versions not stated): gnomAD below 0.00001 and 0.00002; gnomAD exomes 0.00002; ExAC 0.00006.
gnomAD v4.1: 22 of 1,597,742 alleles (0.0014%); highest among the groups gnomAD compares: South Asian, 0.018%; no homozygotes.

Submissions (3):

Labcorp Genetics (formerly Invitae), Labcorp
Classification: Uncertain significance for Neuroblastoma, susceptibility to, 3. Last evaluated: 2026-01-05. Review status: criteria provided, single submitter. Criteria: Invitae Variant Classification Sherloc (09022015). Collection method: clinical testing. Allele origin: germline.
Comment: This sequence change replaces arginine, which is basic and polar, with histidine, which is basic and polar, at codon 133 of the ALK protein (p.Arg133His). The frequency data for this variant in the population databases is considered unreliable, as metrics indicate poor data quality at this position in the gnomAD database. This variant has not been reported in the literature in individuals affected with ALK-related conditions. ClinVar contains an entry for this variant (Variation ID: 853376). An algorithm developed to predict the effect of missense changes on protein structure and function (PolyPhen-2) suggests that this variant is likely to be disruptive. In summary, the available evidence is currently insufficient to determine the role of this variant in disease. Therefore, it has been classified as a Variant of Uncertain Significance.

Baylor Genetics
Classification: Uncertain significance for Neuroblastoma, susceptibility to, 3. Last evaluated: 2023-12-04. Review status: criteria provided, single submitter. Criteria: ACMG Guidelines, 2015. Collection method: clinical testing. Allele origin: unknown.

Ambry Genetics
Classification: Likely benign for Hereditary cancer-predisposing syndrome. Last evaluated: 2022-03-31. Review status: criteria provided, single submitter. Criteria: Ambry Variant Classification Scheme 2023. Collection method: clinical testing. Allele origin: germline.